The following is an entry in ClinVar:

ClinVar aggregate classification (germline): Likely benign. Review status: criteria provided, multiple submitters, no conflicts (2 of 4 stars). 2 submissions from 2 submitters: Likely benign (2). Last evaluated 2025-08-01.

gnomAD v4.1: 24 of 1,603,370 alleles (0.0015%); highest among the groups gnomAD compares: East Asian, 0.02%; no homozygotes.

Submissions (2):

CeGaT Center for Human Genetics Tuebingen
Classification: Likely benign. Last evaluated: 2025-08-01. Review status: criteria provided, single submitter. Criteria: CeGaT Center For Human Genetics Tuebingen Variant Classification Criteria Version 2. Collection method: clinical testing. Allele origin: germline. Affected: yes. Observed: 1 variant allele.
Comment: GRIK2: BP4, BP7

Blueprint Genetics
Classification: Likely benign. Last evaluated: 2022-10-21. Review status: criteria provided, single submitter. Criteria: ACMG Guidelines, 2015. Collection method: clinical testing. Allele origin: germline.

NM_021956.5(GRIK2):c.2547C>T (p.Asn849=)

Gene: GRIK2 (glutamate ionotropic receptor kainate type subunit 2; plus strand). Cytogenetic location: 6q16.3.
Variant type: single nucleotide variant.
Coding change: c.2547C>T on transcript NM_021956.5 (MANE Select); coding-DNA position 2547, C replaced by T.
Protein change: p.Asn849=; no amino-acid change (asparagine 849 retained).
Molecular consequence: synonymous variant.
Genome position (GRCh38, 1-based): chr6:102,055,565, C>T. VCF-style: chr6-102055565-C-T. GRCh37 (hg19) VCF-style: chr6-102503440-C-T.
Other names: c.2547C>T, p.Asn849= (NM_001166247.1, NM_175768.3).
Identifiers: ClinVar variation 4084341 (VCV004084341.9).
Genomic context (GRCh38, chr6:102,055,565, plus strand): 5'-CGGCTTGGTGCTTTCAGTTTTTGTGGCAGTGGGAGAATTTTTATACAAATCCAAAAAAAA[C>T]GCTCAATTGGAAAAGGTAAATGTTACTTGTTTCAGTTTAAATTTAAAACAATTTTTGTTG-3'
Protein context (NP_068775.1, residues 839-859): VGEFLYKSKK[Asn849=]AQLEKRSFCS